The following is an entry in ClinVar:

ClinVar aggregate classification (germline): Uncertain significance (1 of 4 stars; one submission).

Conditions:
Inborn genetic diseases. Identifiers: MedGen C0950123, MeSH D030342.

Submission:

Ambry Genetics
Classification: Uncertain significance for Inborn genetic diseases. Last evaluated: 2025-07-25. Review status: criteria provided, single submitter. Criteria: Ambry Variant Classification Scheme 2023. Collection method: clinical testing. Allele origin: germline.
Comment: The p.A607P variant (also known as c.1819G>C), located in coding exon 11 of the RECQL4 gene, results from a G to C substitution at nucleotide position 1819. The alanine at codon 607 is replaced by proline, an amino acid with highly similar properties. This amino acid position is conserved. In addition, this alteration is predicted to be deleterious by in silico analysis. Based on the available evidence, the clinical significance of this variant remains unclear.

NM_004260.4(RECQL4):c.1819G>C (p.Ala607Pro)

Gene: RECQL4 (RecQ like helicase 4; minus strand). Cytogenetic location: 8q24.3.
Variant type: single nucleotide variant.
Coding change: c.1819G>C on transcript NM_004260.4 (MANE Select); coding-DNA position 1819, G replaced by C.
Protein change: p.Ala607Pro; replaces alanine 607 with proline.
Molecular consequence: missense variant. On other transcripts: non-coding transcript variant (3), intron variant (3).
Genome position (GRCh38, 1-based): chr8:144,514,248, C>G on the plus strand (G>C on the coding strand, the complement: RECQL4 is on the minus strand). VCF-style: chr8-144514248-C-G. GRCh37 (hg19) VCF-style: chr8-145739632-C-G.
Other names: c.748G>C, p.Ala250Pro (NM_001413021.1, NM_001413022.1, NM_001413023.1 and 6 more transcripts); c.1690G>C, p.Ala564Pro (NM_001413025.1); c.682G>C, p.Ala228Pro (NM_001413027.1, NM_001413030.1, NM_001413032.1 and 1 more transcripts); c.1468G>C, p.Ala490Pro (NM_001413029.1); c.1705-18G>C (NM_001413033.1); c.568-18G>C (NM_001413031.1); c.634-18G>C (NM_001413037.1); c.1723G>C, p.Ala575Pro (NM_001413017.1, NM_001413020.1); and 4 more; short protein forms A240P, A607P, A118P, A490P, A575P, A228P, A250P, A564P.
Identifiers: ClinVar variation 4152393 (VCV004152393.1).